The following is an entry in ClinVar:

ClinVar aggregate classification (germline): Benign/Likely benign. Review status: criteria provided, multiple submitters, no conflicts (2 of 4 stars). 3 submissions from 3 submitters: Benign (1); Likely benign (2). Last evaluated 2024-10-17.

Conditions:
Hereditary cancer-predisposing syndrome. Also called: Neoplastic Syndromes, Hereditary; Tumor predisposition; Hereditary Cancer Syndrome; Hereditary neoplastic syndrome. Identifiers: Orphanet 140162, MedGen C0027672, MeSH D009386, MONDO:0015356.
Hereditary leiomyomatosis and renal cell cancer. Also called: MULTIPLE CUTANEOUS AND UTERINE LEIOMYOMATA 1, WITH OR WITHOUT RENAL CELL CARCINOMA; LEIOMYOMA, MULTIPLE CUTANEOUS; FH tumor predisposition syndrome; Reed syndrome; Multiple cutaneous and uterine leiomyomatosis; Cutaneous leiomyomata with uterine leiomyomata. Identifiers: Orphanet 523, MedGen C1708350, MONDO:0007888, OMIM 150800, HP:0007437. Disease mechanism: loss of function.

Allele frequency attached by ClinVar (database versions not stated): gnomAD exomes below 0.00001.
gnomAD v4.1: 2 of 1,547,850 alleles (0.00013%); highest among the groups gnomAD compares: South Asian, 0.0024%; no homozygotes.

Submissions (3):

Myriad Genetics, Inc.
Classification: Benign for Hereditary leiomyomatosis and renal cell cancer. Last evaluated: 2024-10-17. Review status: criteria provided, single submitter. Criteria: Myriad Autosomal Dominant, Autosomal Recessive and X-Linked Classification Criteria (2023). Collection method: clinical testing. Allele origin: unknown.
Comment: This variant is considered benign. This variant is a silent/synonymous amino acid change and it is not expected to impact splicing.

Ambry Genetics
Classification: Likely benign for Hereditary cancer-predisposing syndrome. Last evaluated: 2023-10-17. Review status: criteria provided, single submitter. Criteria: Ambry Variant Classification Scheme 2023. Collection method: clinical testing. Allele origin: germline.

Labcorp Genetics (formerly Invitae), Labcorp
Classification: Likely benign. Last evaluated: 2023-09-14. Review status: criteria provided, single submitter. Criteria: Invitae Variant Classification Sherloc (09022015). Collection method: clinical testing. Allele origin: germline.

NM_000143.4(FH):c.60A>G (p.Ala20=)

Gene: FH (fumarate hydratase; minus strand). Cytogenetic location: 1q43.
Variant type: single nucleotide variant.
Coding change: c.60A>G on transcript NM_000143.4 (MANE Select); coding-DNA position 60, A replaced by G.
Protein change: p.Ala20=; no amino-acid change (alanine 20 retained).
Molecular consequence: synonymous variant.
Genome position (GRCh38, 1-based): chr1:241,519,663, T>C on the plus strand (A>G on the coding strand, the complement: FH is on the minus strand). VCF-style: chr1-241519663-T-C. GRCh37 (hg19) VCF-style: chr1-241682963-T-C.
Identifiers: ClinVar variation 2744179 (VCV002744179.5), dbSNP rs1203787655, ClinGen allele CA424076816.